The following is an entry in ClinVar:

NM_024426.6(WT1):c.901C>T (p.Gln301Ter)

Gene: WT1 (WT1 transcription factor; minus strand). Cytogenetic location: 11p13.
Variant type: single nucleotide variant.
Coding change: c.901C>T on transcript NM_024426.6 (MANE Select); coding-DNA position 901, C replaced by T.
Protein change: p.Gln301Ter; replaces glutamine 301 with a stop codon.
Molecular consequence: nonsense. On other transcripts: non-coding transcript variant (2).
Genome position (GRCh38, 1-based): chr11:32,417,641, G>A on the plus strand (C>T on the coding strand, the complement: WT1 is on the minus strand). VCF-style: chr11-32417641-G-A. GRCh37 (hg19) VCF-style: chr11-32439187-G-A.
Other names: c.901C>T, p.Gln301Ter (NM_000378.6, NM_001407044.1, NM_001407045.1 and 4 more transcripts); c.250C>T, p.Gln84Ter (NM_001198551.2, NM_001198552.2); c.778C>T, p.Gln260Ter (NM_001407047.1, NM_001407050.1); c.139C>T, p.Gln47Ter (NM_001407051.1); c.682C>T, p.Gln228Ter (NM_001429031.1, NM_001429032.1, NM_001429033.1 and 1 more transcripts); short protein forms Q228*, Q260*, Q296*, Q301*, Q47*, Q84*.
Identifiers: ClinVar variation 4293878 (VCV004293878.1).

ClinVar aggregate classification (germline): Likely pathogenic (1 of 4 stars; one submission).

Conditions:
Wilms tumor 1 (WT1). Also called: Wilms tumor, somatic. Identifiers: Orphanet 654, MedGen CN033288, MONDO:0008679, OMIM 194070.

gnomAD v4.1: 1 of 1,613,768 alleles (0.000062%); highest among the groups gnomAD compares: South Asian, 0.0011%; no homozygotes.

Submission:

3billion
Classification: Likely pathogenic for Wilms tumor 1. Last evaluated: 2024-09-04. Review status: criteria provided, single submitter. Criteria: ACMG Guidelines, 2015. Collection method: clinical testing. Allele origin: germline. Affected: yes.
Comment: The variant is observed at an extremely low frequency in the gnomAD v4.0.0 dataset (total allele frequency: <0.001%). Predicted Consequence/Location: Stop-gained (nonsense): predicted to result in a loss or disruption of normal protein function through nonsense-mediated decay (NMD) or protein truncation. Multiple pathogenic variants are reported downstream of the variant. Therefore, this variant is classified as Likely pathogenic according to the recommendation of ACMG/AMP guideline.